The following is an entry in ClinVar:

ClinVar aggregate classification (germline): Conflicting classifications of pathogenicity. Review status: criteria provided, conflicting classifications (1 of 4 stars). 3 submissions from 3 submitters: Likely pathogenic (1); Uncertain significance (2). Last evaluated 2023-04-05.

Conditions:
TRPM1-related disorder. Also called: TRPM1-related condition.

Submissions (3):

Labcorp Genetics (formerly Invitae), Labcorp
Classification: Uncertain significance. Last evaluated: 2023-04-05. Review status: criteria provided, single submitter. Criteria: Invitae Variant Classification Sherloc (09022015). Collection method: clinical testing. Allele origin: germline.
Comment: This variant has not been reported in the literature in individuals affected with TRPM1-related conditions. In summary, the available evidence is currently insufficient to determine the role of this variant in disease. Therefore, it has been classified as a Variant of Uncertain Significance. This variant disrupts the C-terminus of the TRPM1 protein. Other variant(s) that disrupt this region (p.Asn1265Ilefs*42) have been observed in individuals with TRPM1-related conditions (PMID: 31144483, 32233153). This suggests that this may be a clinically significant region of the protein. ClinVar contains an entry for this variant (Variation ID: 1304131). This variant is present in population databases (rs754615589, gnomAD 0.004%). This sequence change creates a premature translational stop signal (p.Asn1233Serfs*8) in the TRPM1 gene. While this is not anticipated to result in nonsense mediated decay, it is expected to disrupt the last 371 amino acid(s) of the TRPM1 protein.

Blueprint Genetics
Classification: Likely pathogenic for TRPM1-related disorders. Last evaluated: 2019-01-03. Review status: criteria provided, single submitter. Criteria: ACMG Guidelines, 2015. Collection method: clinical testing. Allele origin: germline. Affected: yes. Observed: 4 variant alleles.

GeneDx
Classification: Uncertain significance. Last evaluated: 2018-08-23. Review status: criteria provided, single submitter. Criteria: GeneDx Variant Classification Process June 2021. Collection method: clinical testing. Allele origin: germline. Affected: yes.
Comment: Frameshift variant predicted to result in protein truncation as the last 371 amino acids are lost and replaced with 7 incorrect amino acids, although loss-of-function variants have not been reported downstream of this position in the protein

Literature cited by the submitters: PubMed 31144483 (cited by Labcorp Genetics (formerly Invitae), Labcorp); PubMed 32233153 (cited by Labcorp Genetics (formerly Invitae), Labcorp).

NM_001252024.2(TRPM1):c.3763_3764del (p.Asn1255fs)

Gene: TRPM1 (transient receptor potential cation channel subfamily M member 1; minus strand). Cytogenetic location: 15q13.3.
Variant type: Deletion.
Coding change: c.3763_3764del on transcript NM_001252024.2 (MANE Select); coding-DNA positions 3763 to 3764, 2 bases deleted (AA; older notation c.3763_3764delAA).
Protein change: p.Asn1255fs; shifts the reading frame from asparagine 1255.
Molecular consequence: frameshift variant.
Genome position (GRCh38, 1-based): chr15:31,002,936-31,002,937, TT deleted on the plus strand (AA on the coding strand, the reverse complement: TRPM1 is on the minus strand); deleting any 2 consecutive bases within chr15:31,002,936-31,002,939 gives the same sequence; the c. name uses the placement nearest the transcript's 3' end. VCF-style (leftmost placement, unchanged base first): chr15-31002935-ATT-A. GRCh37 (hg19) VCF-style: chr15-31295138-ATT-A.
Other names: c.3814_3815del, p.Asn1272fs (NM_001252020.2); c.3697_3698del, p.Asn1233fs (NM_002420.6); short protein forms N1233fs, N1255fs, N1272fs.
Identifiers: ClinVar variation 1304131 (VCV001304131.6), dbSNP rs754615589, ClinGen allele CA7451773.
Genomic context (GRCh38, chr15:31,002,935, plus strand): 5'-ACATTCAGAAGAAGCCCGGGACCGTGCCTGGATCAGGTCAGACCTGTCGATTCCCGCAAG[ATT>A]TTCAAGAGCATTCACCATTCTGTTAGATAATTCTTCTAGCTGAGCAAGTCGAAGGTCAAC-3'